The following is an entry in ClinVar:

ClinVar aggregate classification (germline): Uncertain significance (0 of 4 stars; one submission).

Conditions:
INPP5E-related disorder. Also called: INPP5E-related condition.

Submission:

PreventionGenetics, part of Exact Sciences
Classification: Uncertain significance for INPP5E-related condition. Last evaluated: 2024-07-25. Review status: no assertion criteria provided. Collection method: clinical testing. Allele origin: germline.
Comment: The INPP5E c.190C>T variant is predicted to result in the amino acid substitution p.Pro64Ser. To our knowledge, this variant has not been reported in the literature or in a large population database, indicating this variant is rare. At this time, the clinical significance of this variant is uncertain due to the absence of conclusive functional and genetic evidence.

NM_019892.6(INPP5E):c.190C>T (p.Pro64Ser)

Gene: INPP5E (inositol polyphosphate-5-phosphatase E; minus strand). Cytogenetic location: 9q34.3.
Variant type: single nucleotide variant.
Coding change: c.190C>T on transcript NM_019892.6 (MANE Select); coding-DNA position 190, C replaced by T.
Protein change: p.Pro64Ser; replaces proline 64 with serine.
Molecular consequence: missense variant.
Genome position (GRCh38, 1-based): chr9:136,439,230, G>A on the plus strand (C>T on the coding strand, the complement: INPP5E is on the minus strand). VCF-style: chr9-136439230-G-A. GRCh37 (hg19) VCF-style: chr9-139333682-G-A.
Other names: c.190C>T, p.Pro64Ser (NM_001318502.2); short protein forms P64S.
Identifiers: ClinVar variation 3346809 (VCV003346809.1).
Genomic context (GRCh38, chr9:136,439,230, plus strand): 5'-GGGCTCGCTCCAGTCGAGGCCTGGCGGGGGGCCGCGGGGCGATGGGTGCTGCTCGGGCTG[G>A]CGGGTCCTCGCCGCTGGGCGTGGCCGGAGTGCTGCAGGCAAGCGCGGGGCTCTCGGAGCC-3'
Protein context (NP_063945.2, residues 54-74): TPATPSGEDP[Pro64Ser]ARAAPIAPRP